The following is an entry in ClinVar:

NM_001142800.2(EYS):c.132A>G (p.Thr44=)

Gene: EYS (EGF-like photoreceptor maintenance factor; minus strand). Cytogenetic location: 6q12.
Variant type: single nucleotide variant.
Coding change: c.132A>G on transcript NM_001142800.2 (MANE Select); coding-DNA position 132, A replaced by G.
Protein change: p.Thr44=; no amino-acid change (threonine 44 retained).
Molecular consequence: synonymous variant.
Genome position (GRCh38, 1-based): chr6:65,495,279, T>C on the plus strand (A>G on the coding strand, the complement: EYS is on the minus strand). VCF-style: chr6-65495279-T-C. GRCh37 (hg19) VCF-style: chr6-66205172-T-C.
Other names: c.132A>G (NM_001142800.1); c.132A>G, p.Thr44= (NM_001142801.2, NM_001292009.2, NM_198283.2).
Identifiers: ClinVar variation 1082308 (VCV001082308.10), dbSNP rs754955077, ClinGen allele CA3878123.
Genomic context (GRCh38, chr6:65,495,279, plus strand): 5'-AGTGTTTACACCCAAAAACCAGCAATCTCTGTAGAAGTCCAAGCAGATGTTTTCTGTTAG[T>C]GTCCAATTTACCACATATGATGAGGGTTGTGGATGCCATTCTTCCACCAATTGCCGTCTA-3'
Protein context (NP_001136272.1, residues 34-54): PQPSSYVVNW[Thr44=]LTENICLDFY

ClinVar aggregate classification (germline): Likely benign. Review status: criteria provided, single submitter (1 of 4 stars). 2 submissions from 2 submitters: Likely benign (1). 1 of the submissions does not count toward it. Last evaluated 2025-11-16.

Conditions:
EYS-related disorder. Also called: EYS-related condition.

Allele frequency attached by ClinVar (database versions not stated): TOPMed below 0.00001; gnomAD exomes 0.00001 and 0.00003; ExAC 0.00005.
gnomAD v4.1: 13 of 1,614,154 alleles (0.00081%); highest among the groups gnomAD compares: Middle Eastern, 0.016%; no homozygotes.

Submissions (2):

Labcorp Genetics (formerly Invitae), Labcorp
Classification: Likely benign. Last evaluated: 2025-11-16. Review status: criteria provided, single submitter. Criteria: Invitae Variant Classification Sherloc (09022015). Collection method: clinical testing. Allele origin: germline.

PreventionGenetics, part of Exact Sciences
Classification: Likely benign for EYS-related condition. Last evaluated: 2019-02-21. Review status: no assertion criteria provided. Collection method: clinical testing. Allele origin: germline. Not counted in ClinVar's aggregate classification.
Comment: This variant is classified as likely benign based on ACMG/AMP sequence variant interpretation guidelines (Richards et al. 2015 PMID: 25741868, with internal and published modifications).